The following is an entry in ClinVar:

ClinVar aggregate classification (germline): Uncertain significance (1 of 4 stars; one submission).

Conditions:
Severe combined immunodeficiency due to CORO1A deficiency. Also called: IMMUNODEFICIENCY 8 WITH LYMPHOPROLIFERATION; Immunodeficiency 8. Identifiers: Orphanet 228003, MedGen C3809383, MONDO:0014168, OMIM 615401.

Allele frequency attached by ClinVar (database versions not stated): ExAC 0.00002; gnomAD exomes 0.00001 and 0.00002; TOPMed 0.00003.

Submission:

Labcorp Genetics (formerly Invitae), Labcorp
Classification: Uncertain significance for Severe combined immunodeficiency due to CORO1A deficiency. Last evaluated: 2021-12-13. Review status: criteria provided, single submitter. Criteria: Invitae Variant Classification Sherloc (09022015). Collection method: clinical testing. Allele origin: germline.
Comment: This variant has not been reported in the literature in individuals affected with CORO1A-related conditions. This variant is present in population databases (rs763891563, gnomAD 0.005%). This sequence change replaces valine, which is neutral and non-polar, with methionine, which is neutral and non-polar, at codon 224 of the CORO1A protein (p.Val224Met). ClinVar contains an entry for this variant (Variation ID: 575728). Algorithms developed to predict the effect of missense changes on protein structure and function are either unavailable or do not agree on the potential impact of this missense change (SIFT: "Tolerated"; PolyPhen-2: "Possibly Damaging"; Align-GVGD: "Class C0"). In summary, the available evidence is currently insufficient to determine the role of this variant in disease. Therefore, it has been classified as a Variant of Uncertain Significance.

NM_007074.4(CORO1A):c.670G>A (p.Val224Met)

Genes: CORO1A (coronin 1A; plus strand), LOC121587541 (Sharpr-MPRA regulatory region 7413; plus strand). Cytogenetic location: 16p11.2.
Variant type: single nucleotide variant.
Coding change: c.670G>A on transcript NM_007074.4 (MANE Select); coding-DNA position 670, G replaced by A.
Protein change: p.Val224Met; replaces valine 224 with methionine.
Molecular consequence: missense variant.
Genome position (GRCh38, 1-based): chr16:30,187,415, G>A. VCF-style: chr16-30187415-G-A. GRCh37 (hg19) VCF-style: chr16-30198736-G-A.
Other names: c.670G>A, p.Val224Met (NM_001193333.3); short protein forms V224M.
Identifiers: ClinVar variation 575728 (VCV000575728.7), dbSNP rs763891563, ClinGen allele CA8003207.